The following is an entry in ClinVar:

ClinVar aggregate classification (germline): Likely benign. Review status: criteria provided, multiple submitters, no conflicts (2 of 4 stars). 3 submissions from 3 submitters: Likely benign (3). Last evaluated 2026-01-26.

Conditions:
Marfan syndrome (MFS). Also called: Marfan syndrome type 1; Marfan's syndrome; FBN1-Related Marfan Syndrome; MARFAN SYNDROME, TYPE I; Marfan syndrome, classic. Identifiers: Orphanet 284963, Orphanet 558, MedGen C0024796, MONDO:0007947, OMIM 154700.
Familial thoracic aortic aneurysm and aortic dissection (TAAD). Also called: Thoracic aortic aneurysms and dissections. Identifiers: Orphanet 91387, MedGen C4707243, MONDO:0019625.

gnomAD v4.1: 35 of 1,613,694 alleles (0.0022%); highest among the groups gnomAD compares: East Asian, 0.027%; no homozygotes.

Submissions (3):

Labcorp Genetics (formerly Invitae), Labcorp
Classification: Likely benign for Marfan syndrome; Familial thoracic aortic aneurysm and aortic dissection. Last evaluated: 2026-01-26. Review status: criteria provided, single submitter. Criteria: Invitae Variant Classification Sherloc (09022015). Collection method: clinical testing. Allele origin: germline.

Blueprint Genetics
Classification: Likely benign. Last evaluated: 2024-09-03. Review status: criteria provided, single submitter. Criteria: ACMG Guidelines, 2015. Collection method: clinical testing. Allele origin: germline.

Women's Health and Genetics/Laboratory Corporation of America, LabCorp
Classification: Likely benign. Last evaluated: 2022-03-17. Review status: criteria provided, single submitter. Criteria: LabCorp Variant Classification Summary - May 2015. Collection method: clinical testing. Allele origin: germline.
Comment: Variant summary: FBN1 c.6997+19G>A alters a non-conserved nucleotide located close to a canonical splice site and therefore could affect mRNA splicing, leading to a significantly altered protein sequence. 4/4 computational tools predict no significant impact on normal splicing. However, these predictions have yet to be confirmed by functional studies. The variant allele was found at a frequency of 8e-06 in 250750 control chromosomes (gnomAD). The available data on variant occurrences in the general population are insufficient to allow any conclusion about variant significance. To our knowledge, no occurrence of c.6997+19G>A in individuals affected with Marfan Syndrome and no experimental evidence demonstrating its impact on protein function have been reported. No clinical diagnostic laboratories have submitted clinical-significance assessments for this variant to ClinVar after 2014. Based on the evidence outlined above, the variant was classified as likely benign.

NM_000138.5(FBN1):c.6997+19G>A

Gene: FBN1 (fibrillin 1; minus strand). Cytogenetic location: 15q21.1.
Variant type: single nucleotide variant.
Coding change: c.6997+19G>A on transcript NM_000138.5 (MANE Select); 19 bases into the intron after coding-DNA position 6997, G replaced by A.
Molecular consequence: intron variant.
Genome position (GRCh38, 1-based): chr15:48,428,327, C>T on the plus strand (G>A on the coding strand, the complement: FBN1 is on the minus strand). VCF-style: chr15-48428327-C-T. GRCh37 (hg19) VCF-style: chr15-48720524-C-T.
Identifiers: ClinVar variation 1343435 (VCV001343435.11), dbSNP rs767445722, ClinGen allele CA057692.